The following is an entry in ClinVar:

NM_014862.4(ARNT2):c.784dup (p.Arg262fs)

Gene: ARNT2 (aryl hydrocarbon receptor nuclear translocator 2; plus strand). Cytogenetic location: 15q25.1.
Variant type: Duplication.
Coding change: c.784dup on transcript NM_014862.4 (MANE Select); coding-DNA position 784, one base duplicated (A; older notation c.784dupA).
Protein change: p.Arg262fs; shifts the reading frame from arginine 262.
Molecular consequence: frameshift variant.
Genome position (GRCh38, 1-based): chr15:80,513,969, A duplicated; the last of 4 consecutive A bases (chr15:80,513,966-80,513,969); duplicating any one gives the same sequence. VCF-style (leftmost placement, unchanged base first): chr15-80513965-G-GA. GRCh37 (hg19) VCF-style: chr15-80806306-G-GA.
Other names: short protein forms R262fs.
Identifiers: ClinVar variation 3352761 (VCV003352761.1).

ClinVar aggregate classification (germline): Uncertain significance (0 of 4 stars; one submission).

Conditions:
ARNT2-related disorder. Also called: ARNT2-related condition.

Submission:

PreventionGenetics, part of Exact Sciences
Classification: Uncertain significance for ARNT2-related condition. Last evaluated: 2024-05-08. Review status: no assertion criteria provided. Collection method: clinical testing. Allele origin: germline.
Comment: The ARNT2 c.784dupA variant is predicted to result in a frameshift and premature protein termination (p.Arg262Lysfs*37). To our knowledge, this variant has not been reported in the literature. This variant is reported in 0.00088% of alleles in individuals of European (Non-Finnish) descent in gnomAD. Due to the limited number of patients reported, it is unclear if loss-of-function is a mechanism of the disease for this gene. At this time, the clinical significance of this variant is uncertain due to the absence of conclusive functional and genetic evidence.